The following is an entry in ClinVar:

NM_006796.3(AFG3L2):c.841A>G (p.Thr281Ala)

Gene: AFG3L2 (AFG3 like matrix AAA peptidase subunit 2; minus strand). Cytogenetic location: 18p11.21.
Variant type: single nucleotide variant.
Coding change: c.841A>G on transcript NM_006796.3 (MANE Select); coding-DNA position 841, A replaced by G.
Protein change: p.Thr281Ala; replaces threonine 281 with alanine.
Molecular consequence: missense variant.
Genome position (GRCh38, 1-based): chr18:12,358,855, T>C on the plus strand (A>G on the coding strand, the complement: AFG3L2 is on the minus strand). VCF-style: chr18-12358855-T-C. GRCh37 (hg19) VCF-style: chr18-12358854-T-C.
Other names: short protein forms T281A.
Identifiers: ClinVar variation 380294 (VCV000380294.8), dbSNP rs200759046, ClinGen allele CA8896646.
Genomic context (GRCh38, chr18:12,358,855, plus strand): 5'-CCTTTAAGACCTTGGCAGTGGTTTCTCCGACACTGAAGAGTCCGCCCATCCCTCGGCCTG[T>C]CCGGCCAATGCCAGCAGGCCCTCTTCTGATGGTGTAGAGCAAGAAGGCGATGATGAGCAC-3'
Protein context (NP_006787.2, residues 271-291): IRRGPAGIGR[Thr281Ala]GRGMGGLFSV

ClinVar aggregate classification (germline): Conflicting classifications of pathogenicity. Review status: criteria provided, conflicting classifications (1 of 4 stars). 4 submissions from 4 submitters: Uncertain significance (2); Likely benign (2). Last evaluated 2025-05-06.

Conditions:
Inborn genetic diseases. Identifiers: MedGen C0950123, MeSH D030342.

Allele frequency attached by ClinVar (database versions not stated): gnomAD 0.00002 and 0.00003; ESP Exome Variant Server 0.00008; TOPMed 0.00008; ExAC 0.00011; 1000 Genomes Project 0.00040; 1000 Genomes Project 30x 0.00062.
gnomAD v4.1: 69 of 1,614,232 alleles (0.0043%); highest among the groups gnomAD compares: Admixed American, 0.06%; no homozygotes.

Submissions (4):

Labcorp Genetics (formerly Invitae), Labcorp
Classification: Likely benign. Last evaluated: 2025-05-06. Review status: criteria provided, single submitter. Criteria: Invitae Variant Classification Sherloc (09022015). Collection method: clinical testing. Allele origin: germline.

GeneDx
Classification: Uncertain significance. Last evaluated: 2021-11-16. Review status: criteria provided, single submitter. Criteria: GeneDx Variant Classification Process June 2021. Collection method: clinical testing. Allele origin: germline. Affected: yes.
Comment: Has not been previously published as pathogenic or benign to our knowledge; In silico analysis supports that this missense variant does not alter protein structure/function

Ambry Genetics
Classification: Uncertain significance for Inborn genetic diseases. Last evaluated: 2021-03-31. Review status: criteria provided, single submitter. Criteria: Ambry Variant Classification Scheme 2023. Collection method: clinical testing. Allele origin: germline.

Athena Diagnostics
Classification: Likely benign. Last evaluated: 2016-12-29. Review status: criteria provided, single submitter. Criteria: Athena Diagnostics Criteria. Collection method: clinical testing. Allele origin: germline.